The following is an entry in ClinVar:

ClinVar aggregate classification (germline): Uncertain significance. Review status: criteria provided, multiple submitters, no conflicts (2 of 4 stars). 3 submissions from 3 submitters: Uncertain significance (3). Last evaluated 2025-06-22.

Conditions:
Inborn genetic diseases. Identifiers: MedGen C0950123, MeSH D030342.

Allele frequency attached by ClinVar (database versions not stated): gnomAD exomes 0.00010 and 0.00018; ExAC 0.00012; TOPMed 0.00012; gnomAD 0.00020.
gnomAD v4.1: 292 of 1,612,416 alleles (0.018%); highest among the groups gnomAD compares: Non-Finnish European, 0.022%; no homozygotes.

Submissions (3):

Ambry Genetics
Classification: Uncertain significance for Inborn genetic diseases. Last evaluated: 2025-06-22. Review status: criteria provided, single submitter. Criteria: Ambry Variant Classification Scheme 2023. Collection method: clinical testing. Allele origin: germline.

Blueprint Genetics
Classification: Uncertain significance. Last evaluated: 2022-11-23. Review status: criteria provided, single submitter. Criteria: ACMG Guidelines, 2015. Collection method: clinical testing. Allele origin: germline.

Labcorp Genetics (formerly Invitae), Labcorp
Classification: Uncertain significance. Last evaluated: 2022-08-15. Review status: criteria provided, single submitter. Criteria: Invitae Variant Classification Sherloc (09022015). Collection method: clinical testing. Allele origin: germline.
Comment: This sequence change replaces tyrosine, which is neutral and polar, with cysteine, which is neutral and slightly polar, at codon 318 of the C7 protein (p.Tyr318Cys). This variant is present in population databases (rs769952777, gnomAD 0.02%). This variant has not been reported in the literature in individuals affected with C7-related conditions. ClinVar contains an entry for this variant (Variation ID: 1363890). Algorithms developed to predict the effect of missense changes on protein structure and function are either unavailable or do not agree on the potential impact of this missense change (SIFT: "Deleterious"; PolyPhen-2: "Possibly Damaging"; Align-GVGD: "Class C0"). In summary, the available evidence is currently insufficient to determine the role of this variant in disease. Therefore, it has been classified as a Variant of Uncertain Significance.

NM_000587.4(C7):c.953A>G (p.Tyr318Cys)

Gene: C7 (complement C7; plus strand). Cytogenetic location: 5p13.1.
Variant type: single nucleotide variant.
Coding change: c.953A>G on transcript NM_000587.4 (MANE Select); coding-DNA position 953, A replaced by G.
Protein change: p.Tyr318Cys; replaces tyrosine 318 with cysteine.
Molecular consequence: missense variant.
Genome position (GRCh38, 1-based): chr5:40,947,816, A>G. VCF-style: chr5-40947816-A-G. GRCh37 (hg19) VCF-style: chr5-40947918-A-G.
Other names: c.953A>G (NM_000587.2); short protein forms Y318C.
Identifiers: ClinVar variation 1363890 (VCV001363890.8), dbSNP rs769952777, ClinGen allele CA3249796.
Genomic context (GRCh38, chr5:40,947,816, plus strand): 5'-AGTACGGGACACATTATCTGCAATCTGGGTCGTTAGGAGGAGAATACAGAGTTCTATTTT[A>G]TGTGGACTCAGAAAAATTAAAACAAAATGGTACAGTATTAAAAAATTCGTTGTCTAAAGG-3'
Protein context (NP_000578.2, residues 308-328): SLGGEYRVLF[Tyr318Cys]VDSEKLKQND